The following is an entry in ClinVar:

NM_001374736.1(DST):c.1142G>A (p.Gly381Glu)

Gene: DST (dystonin; minus strand). Cytogenetic location: 6p12.1.
Variant type: single nucleotide variant.
Coding change: c.1142G>A on transcript NM_001374736.1 (MANE Select); coding-DNA position 1142, G replaced by A.
Protein change: p.Gly381Glu; replaces glycine 381 with glutamic acid.
Molecular consequence: missense variant.
Genome position (GRCh38, 1-based): chr6:56,670,713, C>T on the plus strand (G>A on the coding strand, the complement: DST is on the minus strand). VCF-style: chr6-56670713-C-T. GRCh37 (hg19) VCF-style: chr6-56535511-C-T.
Other names: c.-27925G>A (NM_001723.7); c.1043G>A, p.Gly348Glu (NM_001144769.5); c.629G>A, p.Gly210Glu (NM_001144770.2); c.1142G>A, p.Gly381Glu (NM_001374722.1); c.509G>A, p.Gly170Glu (NM_001374729.1, NM_001374730.1, NM_001386100.1 and 1 more transcripts); c.1169G>A, p.Gly390Glu (NM_001374734.1); short protein forms G348E, G170E, G210E, G381E, G390E.
Identifiers: ClinVar variation 1774752 (VCV001774752.4), dbSNP rs371359237, ClinGen allele CA3871754.

ClinVar aggregate classification (germline): Uncertain significance. Review status: criteria provided, multiple submitters, no conflicts (2 of 4 stars). 3 submissions from 3 submitters: Uncertain significance (3). Last evaluated 2026-02-06.

Conditions:
DST-related disorder. Also called: DST-related disorders; DST-related condition.
Inborn genetic diseases. Identifiers: MedGen C0950123, MeSH D030342.

Allele frequency attached by ClinVar (database versions not stated): gnomAD 0.00031; ESP Exome Variant Server 0.00042; ExAC 0.00023; TOPMed 0.00027.

Submissions (3):

PreventionGenetics, part of Exact Sciences
Classification: Uncertain significance for DST-related condition. Last evaluated: 2026-02-06. Review status: criteria provided, single submitter. Criteria: ACMG Guidelines, 2015. Collection method: clinical testing. Allele origin: germline.
Comment: The DST c.1043G>A variant is predicted to result in the amino acid substitution p.Gly348Glu. To our knowledge, this variant has not been reported in the literature in individuals with DST-related disorders. This variant is reported in 0.041% of alleles in individuals of European (non-Finnish) descent in gnomAD. At this time, the clinical significance of this variant is uncertain due to the absence of conclusive functional and genetic evidence.

Women's Health and Genetics/Laboratory Corporation of America, LabCorp
Classification: Uncertain significance. Last evaluated: 2025-11-06. Review status: criteria provided, single submitter. Criteria: LabCorp Variant Classification Summary - May 2015. Collection method: clinical testing. Allele origin: germline.
Comment: Variant summary: DST NM_001144769.5 c.1043G>A (p.Gly348Glu) results in a non-conservative amino acid change in the encoded protein sequence. Algorithms developed to predict the effect of missense changes on protein structure and function are either unavailable or do not agree on the potential impact of this missense change. This variant is also annotated as DST NM_001723.7 c.-27925G>A and located in the untranscribed region upstream of the DST gene region. The variant allele was found at a frequency of 0.00017 in 242772 control chromosomes. This frequency is not significantly higher than estimated for disease-causing variants in DST, allowing no conclusion about variant significance. To our knowledge, no occurrence of this variant in individuals affected with DST-related conditions and no experimental evidence demonstrating its impact on protein function have been reported. ClinVar contains an entry for this variant (Variation ID: 1774752). Based on the evidence outlined above, the variant was classified as uncertain significance.

Ambry Genetics
Classification: Uncertain significance for Inborn genetic diseases. Last evaluated: 2023-10-02. Review status: criteria provided, single submitter. Criteria: Ambry Variant Classification Scheme 2023. Collection method: clinical testing. Allele origin: germline.
Comment: The alteration results in an amino acid change:_x000D_ _x000D_ The c.1043G>A (p.G348E) alteration is located in coding exon 9 of the DST gene. This alteration results from a G to A substitution at nucleotide position 1043, causing the glycine (G) at amino acid position 348 to be replaced by a glutamic acid (E). The alteration is rare in population databases: _x000D_ _x000D_ Based on data from the Genome Aggregation Database (gnomAD), the c.1043G>A alteration was observed in 0.0204% (56/274,166) of total alleles studied, with a frequency of 0.0405% (51/125,914) in the non-Finnish European subpopulation and no homozygotes were observed. The altered amino acid is conserved throughout evolution:_x000D_ _x000D_ The p.G348 amino acid is conserved in available vertebrate species. The alteration is predicted deleterious by in silico modeling:_x000D_ _x000D_ The p.G348E alteration is predicted to be deleterious by in silico analysis. Based on insufficient or conflicting evidence, the clinical significance of this alteration remains unclear.

Literature cited by the submitters: PubMed 30949922 (cited by Ambry Genetics).